The following is an entry in ClinVar:

ClinVar aggregate classification (germline): Likely benign. Review status: criteria provided, multiple submitters, no conflicts (2 of 4 stars). 2 submissions from 2 submitters: Likely benign (2). Last evaluated 2025-02-16.

Allele frequency attached by ClinVar (database versions not stated): 1000 Genomes Project 30x 0.00016; 1000 Genomes Project 0.00020.
gnomAD v4.1: 91 of 398,266 alleles (0.023%); highest among the groups gnomAD compares: Middle Eastern, 0.31%; no homozygotes.

Submissions (2):

Laboratory of Genetics, Children's Clinical University Hospital Latvia
Classification: Likely benign. Last evaluated: 2025-02-16. Review status: criteria provided, single submitter. Criteria: ACMG Guidelines, 2015. Collection method: clinical testing. Allele origin: germline. Affected: yes.

CeGaT Center for Human Genetics Tuebingen
Classification: Likely benign. Last evaluated: 2023-05-01. Review status: criteria provided, single submitter. Criteria: CeGaT Center For Human Genetics Tuebingen Variant Classification Criteria Version 2. Collection method: clinical testing. Allele origin: germline. Affected: yes. Observed: 2 variant alleles.
Comment: GNAO1: BS1

NM_020988.3(GNAO1):c.161+20682C>T

Gene: GNAO1 (G protein subunit alpha o1; plus strand). Cytogenetic location: 16q13.
Variant type: single nucleotide variant.
Coding change: c.161+20682C>T on transcript NM_020988.3 (MANE Select); 20682 bases into the intron after coding-DNA position 161, C replaced by T.
Molecular consequence: intron variant.
Genome position (GRCh38, 1-based): chr16:56,213,298, C>T. VCF-style: chr16-56213298-C-T. GRCh37 (hg19) VCF-style: chr16-56247210-C-T.
Other names: c.161+20682C>T (NM_138736.3).
Identifiers: ClinVar variation 2646540 (VCV002646540.25), dbSNP rs551242722, ClinGen allele CA282110979.